The following is an entry in ClinVar:

ClinVar aggregate classification (germline): Likely pathogenic (1 of 4 stars; one submission).

Conditions:
Inborn genetic diseases. Identifiers: MedGen C0950123, MeSH D030342.

gnomAD v4.1: 1 of 1,614,048 alleles (0.000062%); highest among the groups gnomAD compares: Non-Finnish European, 0.000085%; no homozygotes.

Submission:

Ambry Genetics
Classification: Likely pathogenic for Inborn genetic diseases. Last evaluated: 2024-05-17. Review status: criteria provided, single submitter. Criteria: Ambry Variant Classification Scheme 2023. Collection method: clinical testing. Allele origin: germline.
Comment: The c.146G>A (p.W49*) alteration, located in exon 3 (coding exon 2) of the SGPL1 gene, consists of a G to A substitution at nucleotide position 146. This changes the amino acid from a tryptophan (W) to a stop codon at amino acid position 49. The predicted stop codon occurs in the 5' end of the SGPL1 gene. Premature termination codons in the 5&rsquo; end of a gene have been reported to escape nonsense-mediated mRNA decay and/or lead to re-initiation (Rivas, 2015; Lindeboom, 2016; Rhee, 2017). Direct evidence for this alteration is unavailable; however, premature termination codons are typically deleterious in nature. This variant was not reported in population-based cohorts in the Genome Aggregation Database (gnomAD). Based on the available evidence, this alteration is classified as likely pathogenic.

Literature cited by the submitters: PubMed 25954003; PubMed 27618451; PubMed 28490743.

NM_003901.4(SGPL1):c.146G>A (p.Trp49Ter)

Gene: SGPL1 (sphingosine-1-phosphate lyase 1; plus strand). Cytogenetic location: 10q22.1.
Variant type: single nucleotide variant.
Coding change: c.146G>A on transcript NM_003901.4 (MANE Select); coding-DNA position 146, G replaced by A.
Protein change: p.Trp49Ter; replaces tryptophan 49 with a stop codon.
Molecular consequence: nonsense.
Genome position (GRCh38, 1-based): chr10:70,844,591, G>A. VCF-style: chr10-70844591-G-A. GRCh37 (hg19) VCF-style: chr10-72604348-G-A.
Other names: short protein forms W49*.
Identifiers: ClinVar variation 3317940 (VCV003317940.1).